The following is an entry in ClinVar:

NM_000051.4(ATM):c.346A>C (p.Lys116Gln)

Gene: ATM (ATM serine/threonine kinase; plus strand). Cytogenetic location: 11q22.3.
Variant type: single nucleotide variant.
Coding change: c.346A>C on transcript NM_000051.4 (MANE Select); coding-DNA position 346, A replaced by C.
Protein change: p.Lys116Gln; replaces lysine 116 with glutamine.
Molecular consequence: missense variant.
Genome position (GRCh38, 1-based): chr11:108,235,684, A>C. VCF-style: chr11-108235684-A-C. GRCh37 (hg19) VCF-style: chr11-108106411-A-C.
Other names: c.346A>C, p.Lys116Gln (NM_001351834.2); short protein forms K116Q.
Identifiers: ClinVar variation 2834030 (VCV002834030.3), dbSNP rs2497016506, ClinGen allele CA382524517.
Genomic context (GRCh38, chr11:108,235,684, plus strand): 5'-TTTTGTTCAAATTTATGTTTTTCTTTATTTGTTTATTTTGAAATAGGAGCACCTAGGCTA[A>C]AATGTCAAGAACTCTTAAATTATATCATGGATACAGTGAAAGATTCATCTAATGGTGCTA-3'
Protein context (NP_000042.3, residues 106-126): KCANRRAPRL[Lys116Gln]CQELLNYIMD

ClinVar aggregate classification (germline): Uncertain significance (1 of 4 stars; one submission).

Conditions:
Ataxia-telangiectasia syndrome (AT). Also called: LOUIS-BAR SYNDROME; Ataxia-telangiectasia, complementation group D; ATAXIA-TELANGIECTASIA, COMPLEMENTATION GROUP A; ATAXIA-TELANGIECTASIA, FRESNO VARIANT; Ataxia-telangiectasia; Ataxia telangiectasia (A-T). Identifiers: Orphanet 100, MedGen C0004135, MONDO:0008840, OMIM 208900.

Submission:

Labcorp Genetics (formerly Invitae), Labcorp
Classification: Uncertain significance for Ataxia-telangiectasia syndrome. Last evaluated: 2023-02-16. Review status: criteria provided, single submitter. Criteria: Invitae Variant Classification Sherloc (09022015). Collection method: clinical testing. Allele origin: germline.
Comment: In summary, the available evidence is currently insufficient to determine the role of this variant in disease. Therefore, it has been classified as a Variant of Uncertain Significance. An algorithm developed to predict the effect of missense changes on protein structure and function (PolyPhen-2) suggests that this variant is likely to be disruptive. This sequence change replaces lysine, which is basic and polar, with glutamine, which is neutral and polar, at codon 116 of the ATM protein (p.Lys116Gln). This variant is not present in population databases (gnomAD no frequency). This variant has not been reported in the literature in individuals affected with ATM-related conditions.